The following is an entry in ClinVar:

ClinVar aggregate classification (germline): Uncertain significance (1 of 4 stars; one submission).

Conditions:
Epidermolysis bullosa simplex with nail dystrophy (EBS5D). Identifiers: MedGen C4225309, MONDO:0014661, OMIM 616487.
Epidermolysis bullosa simplex 5C, with pyloric atresia (EBS5C). Also called: PLEC-Related Epidermolysis Bullosa with Pyloric Atresia; Epidermolysis bullosa simplex with pyloric atresia; PLEC1-Related Epidermolysis Bullosa with Pyloric Atresia. Identifiers: Orphanet 158684, MedGen C2677349, MONDO:0012807, OMIM 612138.
Autosomal recessive limb-girdle muscular dystrophy type 2Q (LGMDR17). Also called: MUSCULAR DYSTROPHY, LIMB-GIRDLE, AUTOSOMAL RECESSIVE 17. Identifiers: Orphanet 254361, MedGen C3150989, MONDO:0013390, OMIM 613723.
Epidermolysis bullosa simplex, Ogna type (EBS5A). Also called: Pidermolysis bullosa simplex 5A, Ogna type; EPIDERMOLYSIS BULLOSA SIMPLEX 5A, OGNA TYPE. Identifiers: Orphanet 79401, MedGen C0432317, MONDO:0007555, OMIM 131950.
Epidermolysis bullosa simplex 5B, with muscular dystrophy (EBS5B). Also called: EPIDERMOLYSIS BULLOSA SIMPLEX AND LIMB-GIRDLE MUSCULAR DYSTROPHY; Epidermolysis bullosa simplex with muscular dystrophy. Identifiers: Orphanet 257, MedGen C2931072, MONDO:0009181, OMIM 226670.

Submission:

Labcorp Genetics (formerly Invitae), Labcorp
Classification: Uncertain significance for Autosomal recessive limb-girdle muscular dystrophy type 2Q; Epidermolysis bullosa simplex, Ogna type; Epidermolysis bullosa simplex with nail dystrophy; Epidermolysis bullosa simplex 5C, with pyloric atresia; Epidermolysis bullosa simplex 5B, with muscular dystrophy. Last evaluated: 2023-03-12. Review status: criteria provided, single submitter. Criteria: Invitae Variant Classification Sherloc (09022015). Collection method: clinical testing. Allele origin: germline.
Comment: This sequence change replaces glutamic acid, which is acidic and polar, with aspartic acid, which is acidic and polar, at codon 3296 of the PLEC protein (p.Glu3296Asp). This variant is not present in population databases (gnomAD no frequency). In summary, the available evidence is currently insufficient to determine the role of this variant in disease. Therefore, it has been classified as a Variant of Uncertain Significance. An algorithm developed to predict the effect of missense changes on protein structure and function (PolyPhen-2) suggests that this variant is likely to be disruptive. This variant has not been reported in the literature in individuals affected with PLEC-related conditions.

NM_201384.3(PLEC):c.9807G>C (p.Glu3269Asp)

Gene: PLEC (plectin; minus strand). Cytogenetic location: 8q24.3.
Variant type: single nucleotide variant.
Coding change: c.9807G>C on transcript NM_201384.3 (MANE Select); coding-DNA position 9807, G replaced by C.
Protein change: p.Glu3269Asp; replaces glutamic acid 3269 with aspartic acid.
Molecular consequence: missense variant.
Genome position (GRCh38, 1-based): chr8:143,920,014, C>G on the plus strand (G>C on the coding strand, the complement: PLEC is on the minus strand). VCF-style: chr8-143920014-C-G. GRCh37 (hg19) VCF-style: chr8-144994182-C-G.
Other names: c.9888G>C, p.Glu3296Asp (NM_000445.5); c.6507G>C, p.Glu2169Asp (NM_001410941.1); c.9765G>C, p.Glu3255Asp (NM_201378.4); c.9741G>C, p.Glu3247Asp (NM_201379.3); c.10218G>C, p.Glu3406Asp (NM_201380.4); c.9711G>C, p.Glu3237Asp (NM_201381.3); c.9807G>C, p.Glu3269Asp (NM_201382.4); c.9819G>C, p.Glu3273Asp (NM_201383.3); short protein forms E2169D, E3247D, E3269D, E3273D, E3296D, E3237D, E3255D, E3406D.
Identifiers: ClinVar variation 2933988 (VCV002933988.3), dbSNP rs2537315184, ClinGen allele CA372506577.